The following is an entry in ClinVar:

GRCh37/hg19 18q22.2-23(chr18:68585785-74978794)x1

Genes: C18orf63 (chromosome 18 open reading frame 63; plus strand), CBLN2 (cerebellin 2 precursor; minus strand), CNDP1 (carnosine dipeptidase 1; plus strand), CNDP2 (carnosine dipeptidase 2; plus strand), CYB5A (cytochrome b5 type A; minus strand) and 14 more. Cytogenetic location: 18q22.2-23.
Variant type: copy number loss.
Change: copy number 1 (one copy instead of two) of chr18:68,585,785-74,978,794 (6.39 Mb, GRCh37 coordinates, 1-based), cytogenetic band 18q22.2-23.
Identifiers: ClinVar variation 1340168 (VCV001340168.1).

ClinVar aggregate classification (germline): Pathogenic (0 of 4 stars; one submission).

Submission:

Quest Diagnostics Nichols Institute San Juan Capistrano
Classification: Pathogenic. Last evaluated: 2021-05-01. Review status: no assertion criteria provided. Collection method: clinical testing. Allele origin: germline.
Comment: The genotype/phenotype of this copy number loss may be complex (Cody et al., Consequences of chromosome 18q deletions. Am J Med Genet C Semin Med Genet . 2015 Sep;169(3):265-80 ) . The same deletion was found in her mother who had a normal development and no dysmorphic features.